The following is an entry in ClinVar:

NM_013339.4(ALG6):c.692T>C (p.Leu231Pro)

Gene: ALG6 (ALG6 alpha-1,3-glucosyltransferase; plus strand). Cytogenetic location: 1p31.3.
Variant type: single nucleotide variant.
Coding change: c.692T>C on transcript NM_013339.4 (MANE Select); coding-DNA position 692, T replaced by C.
Protein change: p.Leu231Pro; replaces leucine 231 with proline.
Molecular consequence: missense variant.
Genome position (GRCh38, 1-based): chr1:63,411,937, T>C. VCF-style: chr1-63411937-T-C. GRCh37 (hg19) VCF-style: chr1-63877608-T-C.
Other names: short protein forms L231P.
Identifiers: ClinVar variation 2145079 (VCV002145079.4), dbSNP rs1644518425, ClinGen allele CA340635281.

ClinVar aggregate classification (germline): Uncertain significance (1 of 4 stars; one submission).

Conditions:
ALG6-congenital disorder of glycosylation 1C (CDG1C). Also called: CARBOHYDRATE-DEFICIENT GLYCOPROTEIN SYNDROME, TYPE I, WITH DEFICIENT GLYCOSYLATION OF DOLICHOL-LINKED OLIGOSACCHARIDE; CARBOHYDRATE-DEFICIENT GLYCOPROTEIN SYNDROME, TYPE V; Congenital disorder of glycosylation type 1C; Congenital disorder of glycosylation, type Ic; CDG Ic. Identifiers: Orphanet 79320, MedGen C2930997, MONDO:0011291, OMIM 603147.

Allele frequency attached by ClinVar (database versions not stated): gnomAD exomes below 0.00001.
gnomAD v4.1: 1 of 1,614,132 alleles (0.000062%); highest among the groups gnomAD compares: South Asian, 0.0011%; no homozygotes.

Submission:

Labcorp Genetics (formerly Invitae), Labcorp
Classification: Uncertain significance for ALG6-congenital disorder of glycosylation 1C. Last evaluated: 2022-02-18. Review status: criteria provided, single submitter. Criteria: Invitae Variant Classification Sherloc (09022015). Collection method: clinical testing. Allele origin: germline.
Comment: In summary, the available evidence is currently insufficient to determine the role of this variant in disease. Therefore, it has been classified as a Variant of Uncertain Significance. Algorithms developed to predict the effect of sequence changes on RNA splicing suggest that this variant may create or strengthen a splice site. Algorithms developed to predict the effect of missense changes on protein structure and function (SIFT, PolyPhen-2, Align-GVGD) all suggest that this variant is likely to be disruptive. This variant has not been reported in the literature in individuals affected with ALG6-related conditions. This variant is not present in population databases (gnomAD no frequency). This sequence change replaces leucine, which is neutral and non-polar, with proline, which is neutral and non-polar, at codon 231 of the ALG6 protein (p.Leu231Pro).